The following is an entry in ClinVar:

NM_005431.2(XRCC2):c.540A>T (p.Leu180Phe)

Gene: XRCC2 (X-ray repair cross complementing 2; minus strand). Cytogenetic location: 7q36.1.
Variant type: single nucleotide variant.
Coding change: c.540A>T on transcript NM_005431.2 (MANE Select); coding-DNA position 540, A replaced by T.
Protein change: p.Leu180Phe; replaces leucine 180 with phenylalanine.
Molecular consequence: missense variant.
Genome position (GRCh38, 1-based): chr7:152,648,945, T>A on the plus strand (A>T on the coding strand, the complement: XRCC2 is on the minus strand). VCF-style: chr7-152648945-T-A. GRCh37 (hg19) VCF-style: chr7-152346030-T-A.
Other names: short protein forms L180F.
Identifiers: ClinVar variation 1747344 (VCV001747344.2), dbSNP rs2485881053, ClinGen allele CA370198472.

ClinVar aggregate classification (germline): Uncertain significance (1 of 4 stars; one submission).

Conditions:
Hereditary cancer-predisposing syndrome. Also called: Hereditary Cancer Syndrome; Neoplastic Syndromes, Hereditary; Tumor predisposition; Hereditary neoplastic syndrome. Identifiers: Orphanet 140162, MedGen C0027672, MeSH D009386, MONDO:0015356.

Submission:

Ambry Genetics
Classification: Uncertain significance for Hereditary cancer-predisposing syndrome. Last evaluated: 2021-11-06. Review status: criteria provided, single submitter. Criteria: Ambry Variant Classification Scheme 2023. Collection method: clinical testing. Allele origin: germline.
Comment: The p.L180F variant (also known as c.540A>T), located in coding exon 3 of the XRCC2 gene, results from an A to T substitution at nucleotide position 540. The leucine at codon 180 is replaced by phenylalanine, an amino acid with highly similar properties. This amino acid position is conserved. In addition, the in silico prediction for this alteration is inconclusive. Since supporting evidence is limited at this time, the clinical significance of this alteration remains unclear.